The following is an entry in ClinVar:

ClinVar aggregate classification (germline): Uncertain significance. Review status: criteria provided, multiple submitters, no conflicts (2 of 4 stars). 3 submissions from 3 submitters: Uncertain significance (3). Last evaluated 2025-06-03.

Conditions:
Inborn genetic diseases. Identifiers: MedGen C0950123, MeSH D030342.

Allele frequency attached by ClinVar (database versions not stated): TOPMed below 0.00001; gnomAD 0.00001; gnomAD exomes 0.00001.
gnomAD v4.1: 22 of 1,613,250 alleles (0.0014%); highest among the groups gnomAD compares: Non-Finnish European, 0.0018%; no homozygotes.

Submissions (3):

Ambry Genetics
Classification: Uncertain significance for Inborn genetic diseases. Last evaluated: 2025-06-03. Review status: criteria provided, single submitter. Criteria: Ambry Variant Classification Scheme 2023. Collection method: clinical testing. Allele origin: germline.

Labcorp Genetics (formerly Invitae), Labcorp
Classification: Uncertain significance. Last evaluated: 2022-03-15. Review status: criteria provided, single submitter. Criteria: Invitae Variant Classification Sherloc (09022015). Collection method: clinical testing. Allele origin: germline.
Comment: This sequence change replaces alanine, which is neutral and non-polar, with valine, which is neutral and non-polar, at codon 1385 of the ABCC6 protein (p.Ala1385Val). This variant is not present in population databases (gnomAD no frequency). This variant has not been reported in the literature in individuals affected with ABCC6-related conditions. Advanced modeling of protein sequence and biophysical properties (such as structural, functional, and spatial information, amino acid conservation, physicochemical variation, residue mobility, and thermodynamic stability) performed at Invitae indicates that this missense variant is not expected to disrupt ABCC6 protein function. Algorithms developed to predict the effect of sequence changes on RNA splicing suggest that this variant may create or strengthen a splice site. In summary, the available evidence is currently insufficient to determine the role of this variant in disease. Therefore, it has been classified as a Variant of Uncertain Significance.

Blueprint Genetics
Classification: Uncertain significance. Last evaluated: 2021-10-18. Review status: criteria provided, single submitter. Criteria: ACMG Guidelines, 2015. Collection method: clinical testing. Allele origin: germline.

NM_001171.6(ABCC6):c.4154C>T (p.Ala1385Val)

Gene: ABCC6 (ATP binding cassette subfamily C member 6; minus strand). Cytogenetic location: 16p13.11.
Variant type: single nucleotide variant.
Coding change: c.4154C>T on transcript NM_001171.6 (MANE Select); coding-DNA position 4154, C replaced by T.
Protein change: p.Ala1385Val; replaces alanine 1385 with valine.
Molecular consequence: missense variant. On other transcripts: non-coding transcript variant (1).
Genome position (GRCh38, 1-based): chr16:16,154,682, G>A on the plus strand (C>T on the coding strand, the complement: ABCC6 is on the minus strand). VCF-style: chr16-16154682-G-A. GRCh37 (hg19) VCF-style: chr16-16248539-G-A.
Other names: c.4154C>T (NM_001171.5); c.3812C>T, p.Ala1271Val (NM_001351800.1); short protein forms A1271V, A1385V.
Identifiers: ClinVar variation 1955788 (VCV001955788.4), dbSNP rs944132085, ClinGen allele CA278676798.